The following is an entry in ClinVar:

NM_001127898.4(CLCN5):c.506A>T (p.Glu169Val)

Gene: CLCN5 (chloride voltage-gated channel 5; plus strand). Cytogenetic location: Xp11.23.
Variant type: single nucleotide variant.
Coding change: c.506A>T on transcript NM_001127898.4 (MANE Select); coding-DNA position 506, A replaced by T.
Protein change: p.Glu169Val; replaces glutamic acid 169 with valine.
Molecular consequence: missense variant.
Genome position (GRCh38, 1-based): chrX:50,075,885, A>T. VCF-style: chrX-50075885-A-T. GRCh37 (hg19) VCF-style: chrX-49840540-A-T.
Other names: c.296A>T, p.Glu99Val (NM_000084.5); c.506A>T, p.Glu169Val (NM_001127899.4); c.356A>T, p.Glu119Val (NM_001282163.2); short protein forms E119V, E99V, E169V.
Identifiers: ClinVar variation 1924350 (VCV001924350.5), dbSNP rs781995869, ClinGen allele CA10413739.

ClinVar aggregate classification (germline): Uncertain significance (1 of 4 stars; one submission).

Allele frequency attached by ClinVar (database versions not stated): gnomAD exomes below 0.00001; TOPMed below 0.00001; ExAC 0.00002.
gnomAD v4.1: 2 of 1,210,676 alleles (0.00017%); highest among the groups gnomAD compares: Admixed American, 0.0043%; no homozygotes.

Submission:

Labcorp Genetics (formerly Invitae), Labcorp
Classification: Uncertain significance. Last evaluated: 2022-07-24. Review status: criteria provided, single submitter. Criteria: Invitae Variant Classification Sherloc (09022015). Collection method: clinical testing. Allele origin: germline.
Comment: In summary, the available evidence is currently insufficient to determine the role of this variant in disease. Therefore, it has been classified as a Variant of Uncertain Significance. Algorithms developed to predict the effect of missense changes on protein structure and function are either unavailable or do not agree on the potential impact of this missense change (SIFT: "Deleterious"; PolyPhen-2: "Probably Damaging"; Align-GVGD: "Class C0"). This variant has not been reported in the literature in individuals affected with CLCN5-related conditions. This variant is present in population databases (rs781995869, gnomAD 0.01%). This sequence change replaces glutamic acid, which is acidic and polar, with valine, which is neutral and non-polar, at codon 99 of the CLCN5 protein (p.Glu99Val).